The following is an entry in ClinVar:

NM_020693.4(DSCAML1):c.62T>A (p.Val21Asp)

Gene: DSCAML1 (DS cell adhesion molecule like 1; minus strand). Cytogenetic location: 11q23.3.
Variant type: single nucleotide variant.
Coding change: c.62T>A on transcript NM_020693.4 (MANE Select); coding-DNA position 62, T replaced by A.
Protein change: p.Val21Asp; replaces valine 21 with aspartic acid.
Molecular consequence: missense variant. On other transcripts: 5 prime UTR variant (1).
Genome position (GRCh38, 1-based): chr11:117,780,795, A>T on the plus strand (T>A on the coding strand, the complement: DSCAML1 is on the minus strand). VCF-style: chr11-117780795-A-T. GRCh37 (hg19) VCF-style: chr11-117651510-A-T.
Other names: c.62T>A, p.Val21Asp (NM_001367904.1); c.-347T>A (NM_001367905.1); short protein forms V21D.
Identifiers: ClinVar variation 1349884 (VCV001349884.6), dbSNP rs763310033, ClinGen allele CA382761132.

ClinVar aggregate classification (germline): Uncertain significance (1 of 4 stars; one submission).

Allele frequency attached by ClinVar (database versions not stated): gnomAD 0.00001; TOPMed 0.00001.
gnomAD v4.1: 2 of 1,467,234 alleles (0.00014%); highest among the groups gnomAD compares: Admixed American, 0.0051%; no homozygotes.

Submission:

Labcorp Genetics (formerly Invitae), Labcorp
Classification: Uncertain significance. Last evaluated: 2022-07-12. Review status: criteria provided, single submitter. Criteria: Invitae Variant Classification Sherloc (09022015). Collection method: clinical testing. Allele origin: germline.
Comment: In summary, the available evidence is currently insufficient to determine the role of this variant in disease. Therefore, it has been classified as a Variant of Uncertain Significance. Algorithms developed to predict the effect of missense changes on protein structure and function are either unavailable or do not agree on the potential impact of this missense change (SIFT: "Deleterious"; PolyPhen-2: "Benign"; Align-GVGD: "Class C0"). ClinVar contains an entry for this variant (Variation ID: 1349884). This variant has not been reported in the literature in individuals affected with DSCAML1-related conditions. This variant is not present in population databases (gnomAD no frequency). This sequence change replaces valine, which is neutral and non-polar, with aspartic acid, which is acidic and polar, at codon 81 of the DSCAML1 protein (p.Val81Asp).